The following is an entry in ClinVar:

ClinVar aggregate classification (germline): Uncertain significance (0 of 4 stars; one submission).

Conditions:
DCHS1-related disorder. Also called: DCHS1-related condition.

gnomAD v4.1: 1 of 1,607,734 alleles (0.000062%); highest among the groups gnomAD compares: Non-Finnish European, 0.000085%; no homozygotes.

Submission:

PreventionGenetics, part of Exact Sciences
Classification: Uncertain significance for DCHS1-related condition. Last evaluated: 2024-06-27. Review status: no assertion criteria provided. Collection method: clinical testing. Allele origin: germline.
Comment: The DCHS1 c.1306G>A variant is predicted to result in the amino acid substitution p.Asp436Asn. To our knowledge, this variant has not been reported in the literature or in a large population database, indicating this variant is rare. At this time, the clinical significance of this variant is uncertain due to the absence of conclusive functional and genetic evidence.

NM_003737.4(DCHS1):c.1306G>A (p.Asp436Asn)

Gene: DCHS1 (dachsous cadherin-related 1; minus strand). Cytogenetic location: 11p15.4.
Variant type: single nucleotide variant.
Coding change: c.1306G>A on transcript NM_003737.4 (MANE Select); coding-DNA position 1306, G replaced by A.
Protein change: p.Asp436Asn; replaces aspartic acid 436 with asparagine.
Molecular consequence: missense variant.
Genome position (GRCh38, 1-based): chr11:6,640,308, C>T on the plus strand (G>A on the coding strand, the complement: DCHS1 is on the minus strand). VCF-style: chr11-6640308-C-T. GRCh37 (hg19) VCF-style: chr11-6661539-C-T.
Other names: short protein forms D436N.
Identifiers: ClinVar variation 3347267 (VCV003347267.1).
Genomic context (GRCh38, chr11:6,640,308, plus strand): 5'-CCTCAGCCCGCAGTGGAGGTGAGCCTGAGTCTGTGGCTGTAACCCTCAAGTTATAGGCAT[C>T]CCTCTCCTCTCGATCCAGCCGCCGAGCCACACACACCAGATAGATGACGCTGTCTTGGGT-3'
Protein context (NP_003728.1, residues 426-446): VARRLDREER[Asp436Asn]AYNLRVTATD